The following is an entry in ClinVar:

ClinVar aggregate classification (germline): Uncertain significance (1 of 4 stars; one submission).

Conditions:
CYS1-related condition.

Submission:

PreventionGenetics, part of Exact Sciences
Classification: Uncertain significance for CYS1-related condition. Last evaluated: 2025-04-08. Review status: criteria provided, single submitter. Criteria: ACMG Guidelines, 2015. Collection method: clinical testing. Allele origin: germline.
Comment: The CYS1 c.187C>G variant is predicted to result in the amino acid substitution p.Pro63Ala. To our knowledge, this variant has not been reported in the literature or in a large population database (gnomAD), indicating this variant is rare. At this time, the clinical significance of this variant is uncertain due to the absence of conclusive functional and genetic evidence.

NM_001037160.3(CYS1):c.187C>G (p.Pro63Ala)

Genes: CYS1 (cystin 1; minus strand), LOC129933088 (ATAC-STARR-seq lymphoblastoid silent region 11155; plus strand). Cytogenetic location: 2p25.1.
Variant type: single nucleotide variant.
Coding change: c.187C>G on transcript NM_001037160.3 (MANE Select); coding-DNA position 187, C replaced by G.
Protein change: p.Pro63Ala; replaces proline 63 with alanine.
Molecular consequence: missense variant.
Genome position (GRCh38, 1-based): chr2:10,080,037, G>C on the plus strand (C>G on the coding strand, the complement: CYS1 is on the minus strand). VCF-style: chr2-10080037-G-C. GRCh37 (hg19) VCF-style: chr2-10220164-G-C.
Other names: short protein forms P63A.
Identifiers: ClinVar variation 4982004 (VCV004982004.1).
Genomic context (GRCh38, chr2:10,080,037, plus strand): 5'-CCGCCGACTCGGCCAGCAGCTCGTCCAGCAGGCGCAGCGTCTCGTCCCTGCCGTCGGGGG[G>C]CGCCACGGGGCTGGGGTCGCGGCCGGGCGCCTCCTCCGCGGCTGCCCCCGGGACCTCGGC-3'
Protein context (NP_001032237.1, residues 53-73): APGRDPSPVA[Pro63Ala]PDGRDETLRL